The following is an entry in ClinVar:

NM_020247.5(COQ8A):c.178-3C>T

Gene: COQ8A (coenzyme Q8A; plus strand). Cytogenetic location: 1q42.13.
Variant type: single nucleotide variant.
Coding change: c.178-3C>T on transcript NM_020247.5 (MANE Select); 3 bases into the intron before coding-DNA position 178, C replaced by T.
Molecular consequence: intron variant.
Genome position (GRCh38, 1-based): chr1:226,964,997, C>T. VCF-style: chr1-226964997-C-T. GRCh37 (hg19) VCF-style: chr1-227152698-C-T.
Identifiers: ClinVar variation 2290889 (VCV002290889.2), dbSNP rs2528248929, ClinGen allele CA2580062291.

ClinVar aggregate classification (germline): Uncertain significance (1 of 4 stars; one submission).

Conditions:
Inborn genetic diseases. Identifiers: MedGen C0950123, MeSH D030342.

Submission:

Ambry Genetics
Classification: Uncertain significance for Inborn genetic diseases. Last evaluated: 2022-06-27. Review status: criteria provided, single submitter. Criteria: Ambry Variant Classification Scheme 2023. Collection method: clinical testing. Allele origin: germline.
Comment: The c.178-3C>T intronic alteration consists of a C to T substitution 3 nucleotides before coding exon 2 in the COQ8A gene. Based on insufficient or conflicting evidence, the clinical significance of this alteration remains unclear.